The following is an entry in ClinVar:

NM_001244008.2(KIF1A):c.-61+13C>T

Gene: KIF1A (kinesin family member 1A; minus strand). Cytogenetic location: 2q37.3.
Variant type: single nucleotide variant.
Coding change: c.-61+13C>T on transcript NM_001244008.2 (MANE Select); 13 bases into the intron after 61 bases upstream of the start codon, C replaced by T.
Molecular consequence: intron variant.
Genome position (GRCh38, 1-based): chr2:240,820,109, G>A on the plus strand (C>T on the coding strand, the complement: KIF1A is on the minus strand). VCF-style: chr2-240820109-G-A. GRCh37 (hg19) VCF-style: chr2-241759526-G-A.
Other names: c.-61+1231C>T (NM_001379653.1); c.-61+807C>T (NM_001379650.1, NM_001379645.1, NM_001379635.1); c.-61+13C>T (NM_001379640.1, NM_001379641.1, NM_004321.8 and 15 more transcripts).
Identifiers: ClinVar variation 508824 (VCV000508824.1), dbSNP rs1314973633, ClinGen allele CA540547464.

ClinVar aggregate classification (germline): Likely benign (1 of 4 stars; one submission).

Allele frequency attached by ClinVar (database versions not stated): 1000 Genomes Project 30x 0.00016; TOPMed 0.00020; gnomAD 0.00024 and 0.00026.
gnomAD v4.1: 35 of 150,952 alleles (0.023%); highest among the groups gnomAD compares: African/African-American, 0.078%; no homozygotes.

Submission:

GeneDx
Classification: Likely benign. Last evaluated: 2017-04-10. Review status: criteria provided, single submitter. Criteria: GeneDx Variant Classification (06012015). Collection method: clinical testing. Allele origin: germline. Affected: yes.
Comment: This variant is considered likely benign or benign based on one or more of the following criteria: it is a conservative change, it occurs at a poorly conserved position in the protein, it is predicted to be benign by multiple in silico algorithms, and/or has population frequency not consistent with disease.